The following is an entry in ClinVar:

ClinVar aggregate classification (germline): Uncertain significance (1 of 4 stars; one submission).

Conditions:
Hereditary cancer-predisposing syndrome. Also called: Neoplastic Syndromes, Hereditary; Tumor predisposition; Hereditary Cancer Syndrome; Hereditary neoplastic syndrome. Identifiers: Orphanet 140162, MedGen C0027672, MeSH D009386, MONDO:0015356.

Submission:

Ambry Genetics
Classification: Uncertain significance for Hereditary cancer-predisposing syndrome. Last evaluated: 2026-05-28. Review status: criteria provided, single submitter. Criteria: Ambry Variant Classification Scheme 2023. Collection method: clinical testing. Allele origin: germline.
Comment: The p.P590L variant (also known as c.1769C>T), located in coding exon 13 of the TSC1 gene, results from a C to T substitution at nucleotide position 1769. The proline at codon 590 is replaced by leucine, an amino acid with similar properties. This amino acid position is not well conserved in available vertebrate species. In addition, this alteration is predicted to be tolerated by in silico analysis. Based on the available evidence, the clinical significance of this variant remains unclear.

NM_000368.5(TSC1):c.1769C>T (p.Pro590Leu)

Gene: TSC1 (TSC complex subunit 1; minus strand). Cytogenetic location: 9q34.13.
Variant type: single nucleotide variant.
Coding change: c.1769C>T on transcript NM_000368.5 (MANE Select); coding-DNA position 1769, C replaced by T.
Protein change: p.Pro590Leu; replaces proline 590 with leucine.
Molecular consequence: missense variant. On other transcripts: non-coding transcript variant (5).
Genome position (GRCh38, 1-based): chr9:132,905,809, G>A on the plus strand (C>T on the coding strand, the complement: TSC1 is on the minus strand). VCF-style: chr9-132905809-G-A. GRCh37 (hg19) VCF-style: chr9-135781196-G-A.
Other names: c.1766C>T, p.Pro589Leu (NM_001406598.1, NM_001406599.1, NM_001406600.1 and 6 more transcripts); c.1769C>T, p.Pro590Leu (NM_001406601.1, NM_001406602.1, NM_001406605.1 and 7 more transcripts); c.1406C>T, p.Pro469Leu (NM_001406617.1, NM_001406618.1, NM_001406619.1 and 5 more transcripts); c.1403C>T, p.Pro468Leu (NM_001406620.1, NM_001406621.1, NM_001406622.1 and 2 more transcripts); c.818C>T, p.Pro273Leu (NM_001406626.1); c.1616C>T, p.Pro539Leu (NM_001406610.1, NM_001162427.2); c.1613C>T, p.Pro538Leu (NM_001406611.1, NM_001406612.1, NM_001406613.1); c.815C>T, p.Pro272Leu (NM_001406627.1, NM_001406628.1); and 1 more; short protein forms P239L, P272L, P273L, P468L, P469L, P538L, P539L, P589L.
Identifiers: ClinVar variation 4866039 (VCV004866039.1).